The following is an entry in ClinVar:

NM_000138.5(FBN1):c.4657_4658del (p.Ile1553fs)

Gene: FBN1 (fibrillin 1; minus strand). Cytogenetic location: 15q21.1.
Variant type: Deletion.
Coding change: c.4657_4658del on transcript NM_000138.5 (MANE Select); coding-DNA positions 4657 to 4658, 2 bases deleted (AT; older notation c.4657_4658delAT).
Protein change: p.Ile1553fs; shifts the reading frame from isoleucine 1553.
Molecular consequence: frameshift variant.
Genome position (GRCh38, 1-based): chr15:48,468,027-48,468,028, AT deleted on the plus strand (AT on the coding strand, the reverse complement: FBN1 is on the minus strand). VCF-style (leftmost placement, unchanged base first): chr15-48468026-AAT-A. GRCh37 (hg19) VCF-style: chr15-48760223-AAT-A.
Other names: c.4657_4658delAT, p.Ile1553Trpfs (NM_001406716.1); short protein forms I1553fs.
Identifiers: ClinVar variation 1806144 (VCV001806144.1), dbSNP rs2505501802, ClinGen allele CA1139532860.

ClinVar aggregate classification (germline): Pathogenic (1 of 4 stars; one submission).

Conditions:
Marfan syndrome (MFS). Also called: Marfan's syndrome; Marfan syndrome, classic; MARFAN SYNDROME, TYPE I; Marfan syndrome type 1; FBN1-Related Marfan Syndrome. Identifiers: Orphanet 284963, Orphanet 558, MedGen C0024796, MONDO:0007947, OMIM 154700.

Submission:

Victorian Clinical Genetics Services, Murdoch Childrens Research Institute
Classification: Pathogenic for Marfan syndrome. Last evaluated: 2020-10-19. Review status: criteria provided, single submitter. Criteria: ACMG Guidelines, 2015. Collection method: clinical testing. Allele origin: germline. Inheritance: Autosomal dominant inheritance. Affected: yes.
Comment: Based on the classification scheme VCGS_Germline_v1.3.3, this variant is classified as Pathogenic. Following criteria are met: 0103 - Dominant negative and loss of function are known mechanisms of disease in this gene and are associated with FBN1-related disease. Variants predicted to result in nonsense mediated decay cause loss of function effects, and are more commonly associated with severe Marfan syndrome. Missense variants that exert dominant negative and loss of function effects on protein function, are also associated with Marfan syndrome and ectopia lentis (OMIM, PMID: 29357934). (I) 0107 - This gene is associated with autosomal dominant disease however, autosomal recessive forms of Marfan syndrome have been reported infrequently (PMID: 27274304; 31950671). (I) 0115 - Variants in this gene are known to have variable expressivity, showing high interfamilial and intrafamilial phenotype variability (OMIM; PMID: 27274304) (I) 0201 -Variant is predicted to cause nonsense-mediated decay (NMD) and loss of protein (premature termination codon is located at least 54 nucleotides upstream of the final exon-exon junction). (SP) 0251 - This variant is heterozygous. (I) 0301 - Variant is absent from gnomAD (both v2 and v3). (SP) 0701 - Other NMD predicted variants comparable to the one identified in this case have very strong previous evidence for pathogenicity. Many other NMD predicted variants have been reported in association with FBN1-related disease (ClinVar) (SP) 0807 - This variant has no previous evidence of pathogenicity. (I) 0905 - No published segregation evidence has been identified for this variant. (I) 1007 - No published functional evidence has been identified for this variant. (I) 1208 - Inheritance information for this variant is not currently available in this individual. (I) Legend: (SP) - Supporting pathogenic, (I) - Information, (SB) - Supporting benign

Literature cited by the submitters: PubMed 27274304; PubMed 29357934; PubMed 31950671.